The following is an entry in ClinVar:

NM_000038.6(APC):c.7770A>C (p.Lys2590Asn)

Gene: APC (APC regulator of Wnt signaling pathway; plus strand). Cytogenetic location: 5q22.2.
Variant type: single nucleotide variant.
Coding change: c.7770A>C on transcript NM_000038.6 (MANE Select); coding-DNA position 7770, A replaced by C.
Protein change: p.Lys2590Asn; replaces lysine 2590 with asparagine.
Molecular consequence: missense variant.
Genome position (GRCh38, 1-based): chr5:112,843,364, A>C. VCF-style: chr5-112843364-A-C. GRCh37 (hg19) VCF-style: chr5-112179061-A-C.
Other names: c.7770A>C, p.Lys2590Asn (NM_001127510.3, NM_001354895.2); c.7716A>C, p.Lys2572Asn (NM_001127511.3); c.7824A>C, p.Lys2608Asn (NM_001354896.2); c.7800A>C, p.Lys2600Asn (NM_001354897.2); c.7695A>C, p.Lys2565Asn (NM_001354898.2); c.7686A>C, p.Lys2562Asn (NM_001354899.2); c.7647A>C, p.Lys2549Asn (NM_001354900.2); c.7593A>C, p.Lys2531Asn (NM_001354901.2); and 5 more; short protein forms K2430N, K2489N, K2562N, K2565N, K2590N, K2464N, K2572N, K2307N.
Identifiers: ClinVar variation 927906 (VCV000927906.8), dbSNP rs1766563090, ClinGen allele CA16038210.
Genomic context (GRCh38, chr5:112,843,364, plus strand): 5'-ATCTTCAATTCTTTCTGCTTCATCAGAATCCAGTGAAAAAGCAAAAAGTGAGGATGAAAA[A>C]CATGTGAACTCTATTTCAGGAACCAAACAAAGTAAAGAAAACCAAGTATCCGCAAAAGGA-3'
Protein context (NP_000029.2, residues 2580-2600): SSEKAKSEDE[Lys2590Asn]HVNSISGTKQ

ClinVar aggregate classification (germline): Uncertain significance. Review status: criteria provided, multiple submitters, no conflicts (2 of 4 stars). 3 submissions from 3 submitters: Uncertain significance (3). Last evaluated 2023-12-05.

Conditions:
Hereditary cancer-predisposing syndrome. Also called: Neoplastic Syndromes, Hereditary; Hereditary Cancer Syndrome; Tumor predisposition; Hereditary neoplastic syndrome. Identifiers: Orphanet 140162, MedGen C0027672, MeSH D009386, MONDO:0015356.
Classic or attenuated familial adenomatous polyposis. Identifiers: MedGen CN372698, MONDO:0021057.

Submissions (3):

Color Diagnostics, LLC DBA Color Health
Classification: Uncertain significance for Hereditary cancer-predisposing syndrome. Last evaluated: 2023-12-05. Review status: criteria provided, single submitter. Criteria: ACMG Guidelines, 2015. Collection method: clinical testing. Allele origin: germline.
Comment: This missense variant replaces lysine with asparagine at codon 2590 of the APC protein. Computational prediction tools and conservation analyses are inconclusive regarding the impact of this variant on protein structure and function. Splice site prediction tools suggest that this variant may not impact RNA splicing. To our knowledge, functional studies have not been performed for this variant. This variant has not been reported in individuals affected with hereditary cancer in the literature. This variant has not been identified in the general population by the Genome Aggregation Database (gnomAD). The available evidence is insufficient to determine the role of this variant in disease conclusively. Therefore, this variant is classified as a Variant of Uncertain Significance.

All of Us Research Program, National Institutes of Health
Classification: Uncertain significance for Classic or attenuated familial adenomatous polyposis. Last evaluated: 2023-09-05. Review status: criteria provided, single submitter. Criteria: ACMG Guidelines, 2015. Collection method: clinical testing. Allele origin: germline. Inheritance: Autosomal dominant inheritance. Observed: 1 variant allele, 1 heterozygote.
Comment: This missense variant replaces lysine with asparagine at codon 2590 of the APC protein. Computational prediction tools and conservation analyses are inconclusive regarding the impact of this variant on protein structure and function. Splice site prediction tools suggest that this variant may not impact RNA splicing. To our knowledge, functional studies have not been performed for this variant. This variant has not been reported in individuals affected with hereditary cancer in the literature. This variant has not been identified in the general population by the Genome Aggregation Database (gnomAD). The available evidence is insufficient to determine the role of this variant in disease conclusively. Therefore, this variant is classified as a Variant of Uncertain Significance.

This study involves interpretation of variants in research participants for the purpose of population health screening. Participant phenotype was not available at the time of variant classification. Additional details can be found in publication PMID: 35346344, PMCID: PMC8962531

Ambry Genetics
Classification: Uncertain significance for Hereditary cancer-predisposing syndrome. Last evaluated: 2021-07-06. Review status: criteria provided, single submitter. Criteria: Ambry Variant Classification Scheme 2023. Collection method: clinical testing. Allele origin: germline.
Comment: The p.K2590N variant (also known as c.7770A>C), located in coding exon 15 of the APC gene, results from an A to C substitution at nucleotide position 7770. The lysine at codon 2590 is replaced by asparagine, an amino acid with similar properties. This amino acid position is well conserved in available vertebrate species. In addition, in silico predictors for this gene do not accurately predict pathogenicity. Since supporting evidence is limited at this time, the clinical significance of this alteration remains unclear.